The following is an entry in ClinVar:

ClinVar aggregate classification (germline): Uncertain significance (1 of 4 stars; one submission).

Conditions:
Glycogen storage disease type III (GSD3). Also called: Cori disease; FORBES DISEASE. Identifiers: Orphanet 366, MedGen C0017922, MONDO:0009291, OMIM 232400.

Submission:

Labcorp Genetics (formerly Invitae), Labcorp
Classification: Uncertain significance for Glycogen storage disease type III. Last evaluated: 2018-01-17. Review status: criteria provided, single submitter. Criteria: Invitae Variant Classification Sherloc (09022015). Collection method: clinical testing. Allele origin: germline.
Comment: This sequence change replaces proline with serine at codon 1411 of the AGL protein (p.Pro1411Ser). The proline residue is highly conserved and there is a moderate physicochemical difference between proline and serine. This variant is not present in population databases (ExAC no frequency). This variant has not been reported in the literature in individuals with AGL-related disease. Algorithms developed to predict the effect of missense changes on protein structure and function (SIFT, PolyPhen-2, Align-GVGD) all suggest that this variant is likely to be disruptive, but these predictions have not been confirmed by published functional studies and their clinical significance is uncertain. In summary, the available evidence is currently insufficient to determine the role of this variant in disease. Therefore, it has been classified as a Variant of Uncertain Significance.

NM_000642.3(AGL):c.4231C>T (p.Pro1411Ser)

Gene: AGL (amylo-alpha-1,6-glucosidase and 4-alpha-glucanotransferase; plus strand). Cytogenetic location: 1p21.2.
Variant type: single nucleotide variant.
Coding change: c.4231C>T on transcript NM_000642.3 (MANE Select); coding-DNA position 4231, C replaced by T.
Protein change: p.Pro1411Ser; replaces proline 1411 with serine.
Molecular consequence: missense variant.
Genome position (GRCh38, 1-based): chr1:99,915,458, C>T. VCF-style: chr1-99915458-C-T. GRCh37 (hg19) VCF-style: chr1-100381014-C-T.
Other names: c.4231C>T, p.Pro1411Ser (NM_000028.3, NM_000643.3, NM_000644.3 and 1 more transcripts); c.4183C>T, p.Pro1395Ser (NM_000646.3); c.4210C>T, p.Pro1404Ser (NM_001425326.1); c.4030C>T, p.Pro1344Ser (NM_001425327.1); c.4027C>T, p.Pro1343Ser (NM_001425328.1); c.3892C>T, p.Pro1298Ser (NM_001425329.1); c.3853C>T, p.Pro1285Ser (NM_001425332.1); short protein forms P1411S, P1395S, P1285S, P1298S, P1343S, P1344S, P1404S.
Identifiers: ClinVar variation 571237 (VCV000571237.1), dbSNP rs1557792779, ClinGen allele CA341341345.